The following is an entry in ClinVar:

ClinVar aggregate classification (germline): Likely pathogenic (1 of 4 stars; one submission).

Submission:

Genetic Services Laboratory, University of Chicago
Classification: Likely pathogenic. Last evaluated: 2020-05-26. Review status: criteria provided, single submitter. Criteria: ACMG Guidelines, 2015. Collection method: clinical testing. Allele origin: germline. Affected: yes.
Comment: DNA sequence analysis of the GLIS3 gene demonstrated a single base pair duplication in exon 4, c.728dup. This sequence change results in an amino acid frameshift and creates a premature stop codon 3 amino acids downstream of the change, p.Asn244Glufs*4. This sequence change is predicted to result in an abnormal transcript, which may be degraded, or may lead to the production of a truncated GLIS3 protein with potentially abnormal function. While this specific duplication has not previously been described in the literature, other truncating variants in the GLIS3 gene have been described in several patients with GLIS3-related disorders (PMIDs: 26259131, 30609409). This sequence change is absent from the large population databases such as ExAC and gnomAD. These collective evidences indicate that this sequence change is likely pathogenic, however functional studies have not been performed to prove this conclusively.

NM_001042413.2(GLIS3):c.728dup (p.Asn244fs)

Gene: GLIS3 (GLIS family zinc finger 3; minus strand). Cytogenetic location: 9p24.2.
Variant type: Duplication.
Coding change: c.728dup on transcript NM_001042413.2 (MANE Select); coding-DNA position 728, one base duplicated (A; older notation c.728dupA).
Protein change: p.Asn244fs; shifts the reading frame from asparagine 244.
Molecular consequence: frameshift variant.
Genome position (GRCh38, 1-based): chr9:4,118,750, T duplicated on the plus strand (A on the coding strand, the reverse complement: GLIS3 is on the minus strand). VCF-style (leftmost placement, unchanged base first): chr9-4118749-C-CT. GRCh37 (hg19) VCF-style: chr9-4118749-C-CT.
Other names: c.263dup, p.Asn89fs (NM_152629.4); short protein forms N244fs, N89fs.
Identifiers: ClinVar variation 1338589 (VCV001338589.4), dbSNP rs2130882939, ClinGen allele CA2573053181.